The following is an entry in ClinVar:

NM_024422.6(DSC2):c.1436G>C (p.Arg479Pro)

Gene: DSC2 (desmocollin 2; minus strand). Cytogenetic location: 18q12.1.
Variant type: single nucleotide variant.
Coding change: c.1436G>C on transcript NM_024422.6 (MANE Select); coding-DNA position 1436, G replaced by C.
Protein change: p.Arg479Pro; replaces arginine 479 with proline.
Molecular consequence: missense variant.
Genome position (GRCh38, 1-based): chr18:31,080,180, C>G on the plus strand (G>C on the coding strand, the complement: DSC2 is on the minus strand). VCF-style: chr18-31080180-C-G. GRCh37 (hg19) VCF-style: chr18-28660146-C-G.
Other names: c.1436G>C, p.Arg479Pro (NM_004949.5); short protein forms R479P.
Identifiers: ClinVar variation 977708 (VCV000977708.1), dbSNP rs774641579, ClinGen allele CA031372.

ClinVar aggregate classification (germline): Uncertain significance (1 of 4 stars; one submission).

gnomAD v4.1: 11 of 1,613,870 alleles (0.00068%); highest among the groups gnomAD compares: African/African-American, 0.0013%; no homozygotes.

Submission:

Women's Health and Genetics/Laboratory Corporation of America, LabCorp
Classification: Uncertain significance. Last evaluated: 2020-08-17. Review status: criteria provided, single submitter. Criteria: LabCorp Variant Classification Summary - May 2015. Collection method: clinical testing. Allele origin: germline.
Comment: Variant summary: DSC2 c.1436G>C (p.Arg479Pro) results in a non-conservative amino acid change located in the Cadherin-like (IPR002126) of the encoded protein sequence. Three of five in-silico tools predict a damaging effect of the variant on protein function. The variant allele was found at a frequency of 4e-06 in 251214 control chromosomes (gnomAD). The available data on variant occurrences in the general population are insufficient to allow any conclusion about variant significance. To our knowledge, no occurrence of c.1436G>C in individuals affected with Arrhythmogenic Right Ventricular Dysplasia/Cardiomyopathy and no experimental evidence demonstrating its impact on protein function have been reported. No clinical diagnostic laboratories have submitted clinical-significance assessments for this variant to ClinVar after 2014. Based on the evidence outlined above, the variant was classified as uncertain significance.